The following is an entry in ClinVar:

NM_198578.4(LRRK2):c.2148G>A (p.Ala716=)

Gene: LRRK2 (leucine rich repeat kinase 2; plus strand). Cytogenetic location: 12q12.
Variant type: single nucleotide variant.
Coding change: c.2148G>A on transcript NM_198578.4 (MANE Select); coding-DNA position 2148, G replaced by A.
Protein change: p.Ala716=; no amino-acid change (alanine 716 retained).
Molecular consequence: synonymous variant.
Genome position (GRCh38, 1-based): chr12:40,278,168, G>A. VCF-style: chr12-40278168-G-A. GRCh37 (hg19) VCF-style: chr12-40671970-G-A.
Identifiers: ClinVar variation 1786678 (VCV001786678.7), dbSNP rs200459681, ClinGen allele CA6513567.

ClinVar aggregate classification (germline): Likely benign. Review status: criteria provided, multiple submitters, no conflicts (2 of 4 stars). 3 submissions from 3 submitters: Likely benign (2). 1 of the submissions does not count toward it. Last evaluated 2025-11-19.

Conditions:
LRRK2-related disorder. Also called: LRRK2-related condition.
Inborn genetic diseases. Identifiers: MedGen C0950123, MeSH D030342.
Autosomal dominant Parkinson disease 8. Also called: Parkinson disease 8, susceptibility to; LRRK2-Related Parkinson Disease; Parkinson disease 8. Identifiers: Orphanet 411602, MedGen C1846862, MONDO:0011764, OMIM 607060.

Allele frequency attached by ClinVar (database versions not stated): TOPMed 0.00003; gnomAD 0.00005.
gnomAD v4.1: 107 of 1,613,974 alleles (0.0066%); highest among the groups gnomAD compares: African/African-American, 0.013%; 2 homozygotes.

Submissions (3):

Labcorp Genetics (formerly Invitae), Labcorp
Classification: Likely benign for Autosomal dominant Parkinson disease 8. Last evaluated: 2025-11-19. Review status: criteria provided, single submitter. Criteria: Invitae Variant Classification Sherloc (09022015). Collection method: clinical testing. Allele origin: germline.

Ambry Genetics
Classification: Likely benign for Inborn genetic diseases. Last evaluated: 2022-03-07. Review status: criteria provided, single submitter. Criteria: Ambry Variant Classification Scheme 2023. Collection method: clinical testing. Allele origin: germline.

PreventionGenetics, part of Exact Sciences
Classification: Likely benign for LRRK2-related condition. Last evaluated: 2024-01-02. Review status: no assertion criteria provided. Collection method: clinical testing. Allele origin: germline. Not counted in ClinVar's aggregate classification.
Comment: This variant is classified as likely benign based on ACMG/AMP sequence variant interpretation guidelines (Richards et al. 2015 PMID: 25741868, with internal and published modifications).